The following is an entry in ClinVar:

ClinVar aggregate classification (germline): Uncertain significance (1 of 4 stars; one submission).

Allele frequency attached by ClinVar (database versions not stated): gnomAD exomes 0.00003; ExAC 0.00004; gnomAD 0.00004 and 0.00005; TOPMed 0.00004.
gnomAD v4.1: 43 of 1,612,842 alleles (0.0027%); highest among the groups gnomAD compares: Middle Eastern, 0.016%; no homozygotes.

Submission:

Labcorp Genetics (formerly Invitae), Labcorp
Classification: Uncertain significance. Last evaluated: 2025-08-21. Review status: criteria provided, single submitter. Criteria: Invitae Variant Classification Sherloc (09022015). Collection method: clinical testing. Allele origin: germline.
Comment: This sequence change replaces aspartic acid, which is acidic and polar, with glutamic acid, which is acidic and polar, at codon 508 of the CDT1 protein (p.Asp508Glu). This variant is present in population databases (rs762191927, gnomAD 0.006%). This variant has not been reported in the literature in individuals affected with CDT1-related conditions. ClinVar contains an entry for this variant (Variation ID: 1434883). An algorithm developed to predict the effect of missense changes on protein structure and function (PolyPhen-2) suggests that this variant is likely to be tolerated. In summary, the available evidence is currently insufficient to determine the role of this variant in disease. Therefore, it has been classified as a Variant of Uncertain Significance.

NM_030928.4(CDT1):c.1524C>A (p.Asp508Glu)

Gene: CDT1 (chromatin licensing and DNA replication factor 1; plus strand). Cytogenetic location: 16q24.3.
Variant type: single nucleotide variant.
Coding change: c.1524C>A on transcript NM_030928.4 (MANE Select); coding-DNA position 1524, C replaced by A.
Protein change: p.Asp508Glu; replaces aspartic acid 508 with glutamic acid.
Molecular consequence: missense variant.
Genome position (GRCh38, 1-based): chr16:88,808,161, C>A. VCF-style: chr16-88808161-C-A. GRCh37 (hg19) VCF-style: chr16-88874569-C-A.
Other names: short protein forms D508E.
Identifiers: ClinVar variation 1434883 (VCV001434883.5), dbSNP rs762191927, ClinGen allele CA8234223.